The following is an entry in ClinVar:

ClinVar aggregate classification (germline): Uncertain significance. Review status: criteria provided, multiple submitters, no conflicts (2 of 4 stars). 3 submissions from 3 submitters: Uncertain significance (2). 1 of the submissions does not count toward it. Last evaluated 2025-12-09.

Conditions:
Agammaglobulinemia 6, autosomal recessive (AGM6). Also called: AGAMMAGLOBULINEMIA 6; AGAMMAGLOBULINEMIA, AUTOSOMAL RECESSIVE, DUE TO CD79B DEFECT. Identifiers: MedGen C3150207, MONDO:0012987, OMIM 612692.

Allele frequency attached by ClinVar (database versions not stated): gnomAD exomes 0.00001 and 0.00002; ExAC 0.00002; gnomAD 0.00006 and 0.00008; TOPMed 0.00006; ESP Exome Variant Server 0.00015; 1000 Genomes Project 0.00020; 1000 Genomes Project 30x 0.00031.
gnomAD v4.1: 34 of 1,614,104 alleles (0.0021%); highest among the groups gnomAD compares: Middle Eastern, 0.033%; no homozygotes.

Submissions (3):

Labcorp Genetics (formerly Invitae), Labcorp
Classification: Uncertain significance for Agammaglobulinemia 6, autosomal recessive. Last evaluated: 2025-12-09. Review status: criteria provided, single submitter. Criteria: Invitae Variant Classification Sherloc (09022015). Collection method: clinical testing. Allele origin: germline.
Comment: This sequence change replaces threonine, which is neutral and polar, with methionine, which is neutral and non-polar, at codon 60 of the CD79B protein (p.Thr60Met). This variant is present in population databases (rs144755516, gnomAD 0.02%). This variant has not been reported in the literature in individuals affected with CD79B-related conditions. ClinVar contains an entry for this variant (Variation ID: 133839). An algorithm developed to predict the effect of missense changes on protein structure and function outputs the following: PolyPhen-2: "Benign". The methionine amino acid residue is found in multiple mammalian species, which suggests that this missense change does not adversely affect protein function. In summary, the available evidence is currently insufficient to determine the role of this variant in disease. Therefore, it has been classified as a Variant of Uncertain Significance.

Mayo Clinic Laboratories, Mayo Clinic
Classification: Uncertain significance. Last evaluated: 2020-04-10. Review status: criteria provided, single submitter. Criteria: ACMG Guidelines, 2015. Collection method: clinical testing. Allele origin: germline. Observed: 1 variant allele.

ITMI
No classification provided. Condition: AllHighlyPenetrant. Last evaluated: 2013-09-19. Review status: no classification provided. Collection method: reference population. Allele origin: germline. Not counted in ClinVar's aggregate classification.
Comment: Please see associated publication for description of ethnicities

Literature cited by the submitters: PubMed 24728327 (cited by ITMI).

NM_000626.4(CD79B):c.179C>T (p.Thr60Met)

Genes: GH-LCR (growth hormone locus control region; plus strand), CD79B (CD79b molecule; minus strand). Cytogenetic location: 17q23.3.
Variant type: single nucleotide variant.
Coding change: c.179C>T on transcript NM_000626.4 (MANE Select); coding-DNA position 179, C replaced by T.
Protein change: p.Thr60Met; replaces threonine 60 with methionine.
Molecular consequence: missense variant. On other transcripts: intron variant (2).
Genome position (GRCh38, 1-based): chr17:63,930,325, G>A on the plus strand (C>T on the coding strand, the complement: CD79B is on the minus strand). VCF-style: chr17-63930325-G-A. GRCh37 (hg19) VCF-style: chr17-62007685-G-A.
Other names: c.182C>T, p.Thr61Met (NM_001039933.3); c.119-437C>T (NM_021602.4); c.122-437C>T (NM_001329050.2); short protein forms T61M, T60M.
Identifiers: ClinVar variation 133839 (VCV000133839.9), dbSNP rs144755516, ClinGen allele CA157930.